The following is an entry in ClinVar:

NM_001267550.2(TTN):c.54594dup (p.Thr18199fs)

Genes: TTN (titin; minus strand), TTN-AS1 (TTN antisense RNA 1; plus strand). Cytogenetic location: 2q31.2.
Variant type: Duplication.
Coding change: c.54594dup on transcript NM_001267550.2 (MANE Select); coding-DNA position 54594, one base duplicated (T; older notation c.54594dupT).
Protein change: p.Thr18199fs; shifts the reading frame from threonine 18199.
Molecular consequence: frameshift variant.
Genome position (GRCh38, 1-based): chr2:178,604,093, A duplicated on the plus strand (T on the coding strand, the reverse complement: TTN is on the minus strand); the first of 2 consecutive A bases (chr2:178,604,093-178,604,094); duplicating either gives the same sequence. VCF-style (leftmost placement, unchanged base first): chr2-178604092-T-TA. GRCh37 (hg19) VCF-style: chr2-179468819-T-TA.
Other names: c.49671dup, p.Thr16558fs (NM_001256850.1); c.27399dup, p.Thr9134fs (NM_003319.4); c.46890dup, p.Thr15631fs (NM_133378.4); c.27774dup, p.Thr9259fs (NM_133432.3); c.27975dup, p.Thr9326fs (NM_133437.4); short protein forms T15631fs, T16558fs, T18199fs, T9134fs, T9259fs, T9326fs.
Identifiers: ClinVar variation 3755710 (VCV003755710.2).

ClinVar aggregate classification (germline): Likely pathogenic (1 of 4 stars; one submission).

Conditions:
Dilated cardiomyopathy 1G (CMD1G). Identifiers: Orphanet 154, MedGen C1858763, MONDO:0011400, OMIM 604145.
Autosomal recessive limb-girdle muscular dystrophy type 2J (LGMDR10). Also called: Limb-girdle muscular dystrophy, type 2J; MUSCULAR DYSTROPHY, LIMB-GIRDLE, AUTOSOMAL RECESSIVE 10. Identifiers: Orphanet 140922, MedGen C1837342, MONDO:0012127, OMIM 608807.

Submission:

Labcorp Genetics (formerly Invitae), Labcorp
Classification: Likely pathogenic for Dilated cardiomyopathy 1G; Autosomal recessive limb-girdle muscular dystrophy type 2J. Last evaluated: 2025-09-22. Review status: criteria provided, single submitter. Criteria: Invitae Variant Classification Sherloc (09022015). Collection method: clinical testing. Allele origin: germline.
Comment: This sequence change creates a premature translational stop signal (p.Thr18199Tyrfs*19) in the TTN gene. While this is not anticipated to result in nonsense mediated decay, it is expected to create a truncated TTN protein. This variant is not present in population databases (gnomAD no frequency). This variant has not been reported in the literature in individuals affected with TTN-related conditions. ClinVar contains an entry for this variant (Variation ID: 3755710). This variant is located in the A band of TTN (PMID: 25589632). Truncating variants in this region are significantly overrepresented in patients affected with dilated cardiomyopathy (PMID: 25589632). Truncating variants in this region have also been reported in individuals affected with autosomal recessive centronuclear myopathy (PMID: 23975875). In summary, the currently available evidence indicates that the variant is pathogenic, but additional data are needed to prove that conclusively. Therefore, this variant has been classified as Likely Pathogenic.

Literature cited by the submitters: PubMed 25589632; PubMed 23975875.